The following is an entry in ClinVar:

NM_006015.6(ARID1A):c.5247G>T (p.Arg1749Ser)

Gene: ARID1A (AT-rich interaction domain 1A; plus strand). Cytogenetic location: 1p36.11.
Variant type: single nucleotide variant.
Coding change: c.5247G>T on transcript NM_006015.6 (MANE Select); coding-DNA position 5247, G replaced by T.
Protein change: p.Arg1749Ser; replaces arginine 1749 with serine.
Molecular consequence: missense variant.
Genome position (GRCh38, 1-based): chr1:26,779,145, G>T. VCF-style: chr1-26779145-G-T. GRCh37 (hg19) VCF-style: chr1-27105636-G-T.
Other names: c.4596G>T, p.Arg1532Ser (NM_139135.4); short protein forms R1532S, R1749S.
Identifiers: ClinVar variation 1355365 (VCV001355365.6), dbSNP rs200936451, ClinGen allele CA19815120.

ClinVar aggregate classification (germline): Uncertain significance (1 of 4 stars; one submission).

Allele frequency attached by ClinVar (database versions not stated): gnomAD exomes 0.00001.
gnomAD v4.1: 10 of 1,591,736 alleles (0.00063%); highest among the groups gnomAD compares: Admixed American, 0.0035%; no homozygotes.

Submission:

Labcorp Genetics (formerly Invitae), Labcorp
Classification: Uncertain significance. Last evaluated: 2023-08-30. Review status: criteria provided, single submitter. Criteria: Invitae Variant Classification Sherloc (09022015). Collection method: clinical testing. Allele origin: germline.
Comment: This sequence change replaces arginine, which is basic and polar, with serine, which is neutral and polar, at codon 1749 of the ARID1A protein (p.Arg1749Ser). This variant is present in population databases (rs200936451, gnomAD 0.006%). This variant has not been reported in the literature in individuals affected with ARID1A-related conditions. ClinVar contains an entry for this variant (Variation ID: 1355365). Advanced modeling of protein sequence and biophysical properties (such as structural, functional, and spatial information, amino acid conservation, physicochemical variation, residue mobility, and thermodynamic stability) performed at Invitae indicates that this missense variant is not expected to disrupt ARID1A protein function. In summary, the available evidence is currently insufficient to determine the role of this variant in disease. Therefore, it has been classified as a Variant of Uncertain Significance.